The following is an entry in ClinVar:

NM_032119.4(ADGRV1):c.4378G>A (p.Gly1460Ser)

Gene: ADGRV1 (adhesion G protein-coupled receptor V1; plus strand). Cytogenetic location: 5q14.3.
Variant type: single nucleotide variant.
Coding change: c.4378G>A on transcript NM_032119.4 (MANE Select); coding-DNA position 4378, G replaced by A.
Protein change: p.Gly1460Ser; replaces glycine 1460 with serine.
Molecular consequence: missense variant. On other transcripts: non-coding transcript variant (1).
Genome position (GRCh38, 1-based): chr5:90,653,952, G>A. VCF-style: chr5-90653952-G-A. GRCh37 (hg19) VCF-style: chr5-89949769-G-A.
Other names: short protein forms G1460S.
Identifiers: ClinVar variation 987000 (VCV000987000.11), dbSNP rs1303930496, ClinGen allele CA360402430.

ClinVar aggregate classification (germline): Conflicting classifications of pathogenicity. Review status: criteria provided, conflicting classifications (1 of 4 stars). 4 submissions from 4 submitters: Pathogenic (1); Likely pathogenic (1); Uncertain significance (1). 1 of the submissions does not count toward it. Last evaluated 2024-03-26.

Conditions:
Usher syndrome type 2C. Also called: USHER SYNDROME, TYPE IIC; Usher syndrome, type 2B. Identifiers: Orphanet 231178, Orphanet 886, MedGen C2931213, MONDO:0011558, OMIM 605472.

Allele frequency attached by ClinVar (database versions not stated): gnomAD 0.00001; gnomAD exomes 0.00001; TOPMed 0.00002.
gnomAD v4.1: 14 of 1,554,018 alleles (0.0009%); highest among the groups gnomAD compares: African/African-American, 0.0027%; no homozygotes.

Submissions (4):

Labcorp Genetics (formerly Invitae), Labcorp
Classification: Pathogenic. Last evaluated: 2024-03-26. Review status: criteria provided, single submitter. Criteria: Invitae Variant Classification Sherloc (09022015). Collection method: clinical testing. Allele origin: germline.
Comment: This sequence change replaces glycine, which is neutral and non-polar, with serine, which is neutral and polar, at codon 1460 of the ADGRV1 protein (p.Gly1460Ser). This variant also falls at the last nucleotide of exon 20, which is part of the consensus splice site for this exon. This variant is present in population databases (no rsID available, gnomAD 0.003%). This missense change has been observed in individual(s) with ADGRV1-related conditions (PMID: 28653555, 33105617, 36672815; Invitae). ClinVar contains an entry for this variant (Variation ID: 987000). An algorithm developed to predict the effect of missense changes on protein structure and function (PolyPhen-2) suggests that this variant is likely to be disruptive. Variants that disrupt the consensus splice site are a relatively common cause of aberrant splicing (PMID: 17576681, 9536098). Algorithms developed to predict the effect of sequence changes on RNA splicing suggest that this variant may disrupt the consensus splice site. For these reasons, this variant has been classified as Pathogenic.

Blueprint Genetics
Classification: Uncertain significance. Last evaluated: 2022-08-11. Review status: criteria provided, single submitter. Criteria: ACMG Guidelines, 2015. Collection method: clinical testing. Allele origin: germline.

Institute of Medical Genetics and Applied Genomics, University Hospital Tübingen
Classification: Likely pathogenic. Last evaluated: 2020-10-23. Review status: criteria provided, single submitter. Criteria: ACMG Guidelines, 2015. Collection method: clinical testing. Allele origin: germline. Inheritance: Autosomal unknown. Affected: yes.

3billion
Classification: Uncertain significance for Usher syndrome type 2C. Last evaluated: 2023-11-09. Review status: flagged submission. Criteria: ACMG Guidelines, 2015. Collection method: clinical testing. Allele origin: germline. Affected: yes. Not counted in ClinVar's aggregate classification.
Comment: The variant is observed at an extremely low frequency in the gnomAD v2.1.1 dataset (total allele frequency: 0.001%). Predicted Consequence/Location: The majority of the known disease-causing variants of this gene are variants expected to result in premature termination of the protein. Premature termination of the protein is a common disease-causing mechanism for this gene. In silico tools predict the variant to alter splicing and produce an abnormal transcript [SpliceAI: 0.69 (>=0.2, moderate evidence for spliceogenicity)]. Same nucleotide change resulting in same amino acid change has been previously reported to be associated with ADGRV1-related disorder (PMID: 28653555). However, the evidence of pathogenicity is insufficient at this time. Therefore, this variant is classified as VUS according to the recommendation of ACMG/AMP guideline.
ClinVar note: Reason: Older claim that does not account for recent evidence

Literature cited by the submitters: PubMed 28653555 (cited by Labcorp Genetics (formerly Invitae), Labcorp and 3billion); PubMed 33105617 (cited by Labcorp Genetics (formerly Invitae), Labcorp); PubMed 36672815 (cited by Labcorp Genetics (formerly Invitae), Labcorp); PubMed 17576681 (cited by Labcorp Genetics (formerly Invitae), Labcorp); PubMed 9536098 (cited by Labcorp Genetics (formerly Invitae), Labcorp).